The following is an entry in ClinVar:

NC_000006.11:g.(42672350_42689491)_(42690353_?)del

Gene: PRPH2 (peripherin 2; minus strand). Cytogenetic location: 6p21.1.
Variant type: Deletion.
Identifiers: ClinVar variation 1175234 (VCV001175234.1).

ClinVar aggregate classification (germline): Pathogenic (0 of 4 stars; one submission).

Submission:

Leiden Open Variation Database
Classification: Pathogenic. Last evaluated: 2021-04-06. Review status: no assertion criteria provided. Collection method: curation. Allele origin: germline. Affected: yes.
Comment: Curator: Global Variome, with Curator vacancy. Submitters to LOVD: Global Variome, with Curator vacancy, Manon Peeters.

Literature cited by the submitters: PubMed 26103963; PubMed 31574917.